The following is an entry in ClinVar:

NM_007327.4(GRIN1):c.365C>T (p.Thr122Ile)

Gene: GRIN1 (glutamate ionotropic receptor NMDA type subunit 1; plus strand). Cytogenetic location: 9q34.3.
Variant type: single nucleotide variant.
Coding change: c.365C>T on transcript NM_007327.4 (MANE Select); coding-DNA position 365, C replaced by T.
Protein change: p.Thr122Ile; replaces threonine 122 with isoleucine.
Molecular consequence: missense variant.
Genome position (GRCh38, 1-based): chr9:137,142,119, C>T. VCF-style: chr9-137142119-C-T. GRCh37 (hg19) VCF-style: chr9-140036571-C-T.
Other names: c.365C>T, p.Thr122Ile (NM_000832.7, NM_001185090.2, NM_001185091.2 and 1 more transcripts); short protein forms T122I.
Identifiers: ClinVar variation 2841633 (VCV002841633.3), dbSNP rs2538516800, ClinGen allele CA375713729.

ClinVar aggregate classification (germline): Uncertain significance (1 of 4 stars; one submission).

Conditions:
Neurodevelopmental disorder with or without hyperkinetic movements and seizures, autosomal dominant. Also called: Intellectual disability, autosomal dominant 8. Identifiers: MedGen C3280282, MONDO:0013655, OMIM 614254.

Submission:

Labcorp Genetics (formerly Invitae), Labcorp
Classification: Uncertain significance for Neurodevelopmental disorder with or without hyperkinetic movements and seizures, autosomal dominant. Last evaluated: 2023-02-28. Review status: criteria provided, single submitter. Criteria: Invitae Variant Classification Sherloc (09022015). Collection method: clinical testing. Allele origin: germline.
Comment: This variant is not present in population databases (gnomAD no frequency). This variant has not been reported in the literature in individuals affected with GRIN1-related conditions. Advanced modeling of protein sequence and biophysical properties (such as structural, functional, and spatial information, amino acid conservation, physicochemical variation, residue mobility, and thermodynamic stability) has been performed at Invitae for this missense variant, however the output from this modeling did not meet the statistical confidence thresholds required to predict the impact of this variant on GRIN1 protein function. In summary, the available evidence is currently insufficient to determine the role of this variant in disease. Therefore, it has been classified as a Variant of Uncertain Significance. This sequence change replaces threonine, which is neutral and polar, with isoleucine, which is neutral and non-polar, at codon 122 of the GRIN1 protein (p.Thr122Ile).